The following is an entry in ClinVar:

ClinVar aggregate classification (germline): Uncertain significance. Review status: criteria provided, multiple submitters, no conflicts (2 of 4 stars). 4 submissions from 4 submitters: Uncertain significance (4). Last evaluated 2025-09-10.

Conditions:
Inborn genetic diseases. Identifiers: MedGen C0950123, MeSH D030342.
Congenital cataract-microcephaly-nevus flammeus simplex-severe intellectual disability syndrome. Also called: Basel-Vanagaite-Smirin-Yosef syndrome. Identifiers: Orphanet 464738, MedGen C4225323, MONDO:0014643, OMIM 616449.
Charcot-Marie-Tooth disease type 2. Also called: Charcot-Marie-Tooth type 2. Identifiers: Orphanet 64746, MedGen C0270914, MONDO:0018993.

Allele frequency attached by ClinVar (database versions not stated): ExAC 0.00003; gnomAD 0.00001; gnomAD exomes 0.00001 and 0.00003; TOPMed 0.00003.
gnomAD v4.1: 16 of 1,608,578 alleles (0.00099%); highest among the groups gnomAD compares: Admixed American, 0.013%; no homozygotes.

Submissions (4):

Dasa
Classification: Uncertain significance. Last evaluated: 2025-09-10. Review status: criteria provided, single submitter. Criteria: DASA Assertion Criteria. Collection method: clinical testing. Allele origin: germline.
Comment: NM_030973.4(MED25):c.1396C>T (p.Arg466Trp) is a missense variant that results in the substitution of arginine with tryptophan. This variant has been observed in affected individuals with MED25-related disorders. Also, this variant is rare in population databases. Computational prediction algorithms are consistent with a deleterious effect. The currently available literature and clinical evidence are not sufficient to establish a definitive association between this variant and the reported condition. Therefore, this variant is classified as a variant of uncertain significance.

Ambry Genetics
Classification: Uncertain significance for Inborn genetic diseases. Last evaluated: 2024-10-12. Review status: criteria provided, single submitter. Criteria: Ambry Variant Classification Scheme 2023. Collection method: clinical testing. Allele origin: germline.

Mendelics
Classification: Uncertain significance for Congenital cataract-microcephaly-nevus flammeus simplex-severe intellectual disability syndrome. Last evaluated: 2024-05-28. Review status: criteria provided, single submitter. Criteria: Mendelics Assertion Criteria 2019. Collection method: clinical testing. Allele origin: germline.

Labcorp Genetics (formerly Invitae), Labcorp
Classification: Uncertain significance for Charcot-Marie-Tooth disease type 2. Last evaluated: 2024-05-15. Review status: criteria provided, single submitter. Criteria: Invitae Variant Classification Sherloc (09022015). Collection method: clinical testing. Allele origin: germline.
Comment: This sequence change replaces arginine, which is basic and polar, with tryptophan, which is neutral and slightly polar, at codon 466 of the MED25 protein (p.Arg466Trp). This variant is present in population databases (rs759187460, gnomAD 0.02%). This variant has not been reported in the literature in individuals affected with MED25-related conditions. ClinVar contains an entry for this variant (Variation ID: 1046217). An algorithm developed to predict the effect of missense changes on protein structure and function (PolyPhen-2) suggests that this variant is likely to be disruptive. In summary, the available evidence is currently insufficient to determine the role of this variant in disease. Therefore, it has been classified as a Variant of Uncertain Significance.

NM_030973.4(MED25):c.1396C>T (p.Arg466Trp)

Gene: MED25 (mediator complex subunit 25; plus strand). Cytogenetic location: 19q13.33.
Variant type: single nucleotide variant.
Coding change: c.1396C>T on transcript NM_030973.4 (MANE Select); coding-DNA position 1396, C replaced by T.
Protein change: p.Arg466Trp; replaces arginine 466 with tryptophan.
Molecular consequence: missense variant.
Genome position (GRCh38, 1-based): chr19:49,832,329, C>T. VCF-style: chr19-49832329-C-T. GRCh37 (hg19) VCF-style: chr19-50335586-C-T.
Other names: c.1396C>T, p.Arg466Trp (NM_001378355.1); c.1396C>T (NM_030973.3); short protein forms R466W.
Identifiers: ClinVar variation 1046217 (VCV001046217.11), dbSNP rs759187460, ClinGen allele CA9585274.